The following is an entry in ClinVar:

NM_000338.3(SLC12A1):c.2176A>T (p.Lys726Ter)

Gene: SLC12A1 (solute carrier family 12 member 1; plus strand). Cytogenetic location: 15q21.1.
Variant type: single nucleotide variant.
Coding change: c.2176A>T on transcript NM_000338.3 (MANE Select); coding-DNA position 2176, A replaced by T.
Protein change: p.Lys726Ter; replaces lysine 726 with a stop codon.
Molecular consequence: nonsense.
Genome position (GRCh38, 1-based): chr15:48,267,582, A>T. VCF-style: chr15-48267582-A-T. GRCh37 (hg19) VCF-style: chr15-48559779-A-T.
Other names: c.2176A>T, p.Lys726Ter (NM_001184832.2); short protein forms K726*.
Identifiers: ClinVar variation 64407 (VCV000064407.2), dbSNP rs387907463, ClinGen allele CA216076.

ClinVar aggregate classification (germline): Uncertain significance (0 of 4 stars; one submission).

Submission:

Martin Pollak Laboratory,  Beth Israel Deaconess Medical Center
Classification: Uncertain significance. Review status: no assertion criteria provided. Collection method: not provided. Allele origin: unknown.
Comment: Lower UCa2+ group
ClinVar note: Converted during submission from unknown to Uncertain significance.